The following is an entry in ClinVar:

NM_000431.4(MVK):c.498C>A (p.Asn166Lys)

Gene: MVK (mevalonate kinase; plus strand). Cytogenetic location: 12q24.11.
Variant type: single nucleotide variant.
Coding change: c.498C>A on transcript NM_000431.4 (MANE Select); coding-DNA position 498, C replaced by A.
Protein change: p.Asn166Lys; replaces asparagine 166 with lysine.
Molecular consequence: missense variant. On other transcripts: intron variant (1).
Genome position (GRCh38, 1-based): chr12:109,581,521, C>A. VCF-style: chr12-109581521-C-A. GRCh37 (hg19) VCF-style: chr12-110019326-C-A.
Other names: c.498C>A (LRG_156t1); c.498C>A, p.Asn166Lys (NM_001114185.3); c.371+1575C>A (NM_001301182.2); short protein forms N166K.
Identifiers: ClinVar variation 432821 (VCV000432821.2), dbSNP rs765975337, ClinGen allele CA6779268.

ClinVar aggregate classification (germline): Uncertain significance (1 of 4 stars; one submission).

Allele frequency attached by ClinVar (database versions not stated): gnomAD exomes below 0.00001; ExAC 0.00001.
gnomAD v4.1: 1 of 1,614,228 alleles (0.000062%); highest among the groups gnomAD compares: South Asian, 0.0011%; no homozygotes.

Submission:

GeneDx
Classification: Uncertain significance. Last evaluated: 2017-06-07. Review status: criteria provided, single submitter. Criteria: GeneDx Variant Classification (06012015). Collection method: clinical testing. Allele origin: germline. Affected: yes.
Comment: The N166K variant has not been published as a pathogenic variant, nor has it been reported as a benign variant to our knowledge. The variant is not observed at a significant frequency in large population cohorts (Lek et al., 2016; 1000 Genomes Consortium et al., 2015; Exome Variant Server). N166K is a semi-conservative amino acid substitution, which may impact secondary protein structure as these residues differ in some properties. This substitution occurs at a position that is not conserved, and in silico analysis is inconsistent in its predictions as to whether or not the variant is damaging to the protein structure/function. In summary, based on the currently available information, it is unclear whether this variant is a pathogenic variant or a rare benign variant.